The following is an entry in ClinVar:

NM_007294.4(BRCA1):c.4485-2A>C

Gene: BRCA1 (BRCA1 DNA repair associated; minus strand). Cytogenetic location: 17q21.31.
Variant type: single nucleotide variant.
Coding change: c.4485-2A>C on transcript NM_007294.4 (MANE Select); the canonical splice acceptor site of the intron before coding-DNA position 4485, A replaced by C.
Molecular consequence: splice acceptor variant. On other transcripts: intron variant (3).
Genome position (GRCh38, 1-based): chr17:43,074,523, T>G on the plus strand (A>C on the coding strand, the complement: BRCA1 is on the minus strand). VCF-style: chr17-43074523-T-G. GRCh37 (hg19) VCF-style: chr17-41226540-T-G.
Other names: c.1053-2A>C (NM_001408429.1, NM_001408428.1, NM_001408426.1 and 4 more transcripts); c.4356-2A>C (NM_001407683.1, NM_001407687.1, NM_001407941.1 and 6 more transcripts); c.4359-2A>C (NM_001407674.1, NM_001407939.1, NM_001407677.1 and 11 more transcripts); c.4362-2A>C (NM_001407919.1, NM_001407937.1, NM_001407669.1 and 6 more transcripts); c.1173-2A>C (NM_001407979.1, NM_001407983.1, NM_001407992.1 and 12 more transcripts); c.1176-2A>C (NM_001407977.1, NM_001407975.1, NM_001407978.1 and 3 more transcripts); c.4479-2A>C (NM_001407642.1, NM_001407634.1, NM_001407641.1 and 14 more transcripts); c.4482-2A>C (NM_001407625.1, NM_001407619.1, NM_001407610.1 and 17 more transcripts); and 71 more.
Identifiers: ClinVar variation 567954 (VCV000567954.14), dbSNP rs80358054, ClinGen allele CA10592561.

ClinVar aggregate classification (germline): Pathogenic/Likely pathogenic. Review status: criteria provided, multiple submitters, no conflicts (2 of 4 stars). 4 submissions from 4 submitters: Pathogenic (2); Likely pathogenic (2). Last evaluated 2024-04-24.

Conditions:
Hereditary breast ovarian cancer syndrome. Also called: Hereditary breast and ovarian cancer; Hereditary breast and ovarian cancer syndrome; Hereditary breast and ovarian cancer syndrome (HBOC); Breast and ovarian cancer; BRCA1- and BRCA2-Associated Hereditary Breast and Ovarian Cancer; Hereditary breast and/or ovarian cancer syndrome. Identifiers: Orphanet 145, MedGen C0677776, MeSH D061325, MONDO:0003582. Disease mechanism: loss of function.
Hereditary cancer-predisposing syndrome. Also called: Tumor predisposition; Neoplastic Syndromes, Hereditary; Hereditary Cancer Syndrome; Hereditary neoplastic syndrome. Identifiers: Orphanet 140162, MedGen C0027672, MeSH D009386, MONDO:0015356.
Breast-ovarian cancer, familial, susceptibility to, 1 (BROVCA1). Also called: BRCA1 Hereditary Breast and Ovarian Cancer; OVARIAN CANCER, SUSCEPTIBILITY TO. Identifiers: Orphanet 145, MedGen C2676676, MONDO:0011450, OMIM 604370. Disease mechanism: loss of function.
Fanconi anemia, complementation group S (FANCS). Identifiers: MedGen C4554406, MONDO:0054748, OMIM 617883.
Pancreatic cancer, susceptibility to, 4. Identifiers: Orphanet 1333, MedGen C3280442, MONDO:0013685, OMIM 614320.

Submissions (4):

Fulgent Genetics
Classification: Pathogenic for Breast-ovarian cancer, familial, susceptibility to, 1; Pancreatic cancer, susceptibility to, 4; Fanconi anemia, complementation group S. Last evaluated: 2024-04-24. Review status: criteria provided, single submitter. Criteria: ACMG Guidelines, 2015. Collection method: clinical testing. Allele origin: germline.

Labcorp Genetics (formerly Invitae), Labcorp
Classification: Likely pathogenic for Hereditary breast ovarian cancer syndrome. Last evaluated: 2023-06-14. Review status: criteria provided, single submitter. Criteria: Invitae Variant Classification Sherloc (09022015). Collection method: clinical testing. Allele origin: germline.
Comment: In summary, the currently available evidence indicates that the variant is pathogenic, but additional data are needed to prove that conclusively. Therefore, this variant has been classified as Likely Pathogenic. Studies have shown that disruption of this splice site results in activation of cryptic splice site and introduces a premature termination codon (PMID: 26622941). The resulting mRNA is expected to undergo nonsense-mediated decay. ClinVar contains an entry for this variant (Variation ID: 567954). Disruption of this splice site has been observed in individual(s) with or undergoing testing for hereditary breast and/or ovarian cancer (PMID: 26622941, 29446198, 30078507). This variant is not present in population databases (gnomAD no frequency). This sequence change affects an acceptor splice site in intron 13 of the BRCA1 gene. RNA analysis indicates that disruption of this splice site induces altered splicing and may result in an absent or disrupted protein product.

Color Diagnostics, LLC DBA Color Health
Classification: Pathogenic for Hereditary cancer-predisposing syndrome. Last evaluated: 2021-11-08. Review status: criteria provided, single submitter. Criteria: ACMG Guidelines, 2015. Collection method: clinical testing. Allele origin: germline.
Comment: This variant causes an A to C nucleotide substitution at the -2 position of intron 13 of the BRCA1 gene. Splice site prediction tools suggest that this variant may have a significant impact on RNA splicing. Although this prediction has not been confirmed in published RNA studies, two different canonical splice site variants at this acceptor site, c.4485-1G>A and c.4485-1G>T, have been shown to cause out-of-frame splicing in RNA analysis of tumor- and carrier-derived RNA (PMID: 26622941, 31843900). This variant has been detected in at least four individuals affected with ovarian or breast cancer (PMID: 30078507, 31825140, 32850417, 34254208). Other canonical splice site variants at this splice acceptor site have been reported as disease-causing in ClinVar (variation ID: 55213, 55214, 246501, 267551, 433715) and detected in individuals affected with breast or ovarian cancer (PMID: 9333265, 11595708, 12181777, 12960223, 24249303, 27553291, 28179634, 29446198, 30287823, 31528241, 33471991; Leiden Open Variation Database DB-ID BRCA1_004959). This variant has not been identified in the general population by the Genome Aggregation Database (gnomAD). Loss of BRCA1 function is a known mechanism of disease. Based on the available evidence, this variant is classified as Pathogenic.

Quest Diagnostics Nichols Institute San Juan Capistrano
Classification: Likely pathogenic. Last evaluated: 2019-11-14. Review status: criteria provided, single submitter. Criteria: Quest Diagnostics criteria. Collection method: clinical testing. Allele origin: unknown.
Comment: The variant disrupts a canonical splice site, and is therefore predicted to result in the loss of a functional protein. Not found in the total gnomAD dataset, and the data is high quality.

Literature cited by the submitters: PubMed 26622941 (cited by Labcorp Genetics (formerly Invitae), Labcorp and Color Diagnostics, LLC DBA Color Health); PubMed 29446198 (cited by Labcorp Genetics (formerly Invitae), Labcorp and Color Diagnostics, LLC DBA Color Health); PubMed 30078507 (cited by Labcorp Genetics (formerly Invitae), Labcorp and Color Diagnostics, LLC DBA Color Health); PubMed 9333265 (cited by Color Diagnostics, LLC DBA Color Health); PubMed 11595708 (cited by Color Diagnostics, LLC DBA Color Health); PubMed 12181777 (cited by Color Diagnostics, LLC DBA Color Health); PubMed 12960223 (cited by Color Diagnostics, LLC DBA Color Health); PubMed 24249303 (cited by Color Diagnostics, LLC DBA Color Health); PubMed 27553291 (cited by Color Diagnostics, LLC DBA Color Health); PubMed 28179634 (cited by Color Diagnostics, LLC DBA Color Health); PubMed 30287823 (cited by Color Diagnostics, LLC DBA Color Health); PubMed 31528241 (cited by Color Diagnostics, LLC DBA Color Health); PubMed 31825140 (cited by Color Diagnostics, LLC DBA Color Health); PubMed 31843900 (cited by Color Diagnostics, LLC DBA Color Health); PubMed 32850417 (cited by Color Diagnostics, LLC DBA Color Health); PubMed 33471991 (cited by Color Diagnostics, LLC DBA Color Health); PubMed 34254208 (cited by Color Diagnostics, LLC DBA Color Health).